The following is an entry in ClinVar:

ClinVar aggregate classification (germline): Likely pathogenic (1 of 4 stars; one submission).

Conditions:
Susceptibility to severe COVID-19.

Submission:

Molecular Medicine Center, Medical University of Sofia
Classification: Likely pathogenic for Susceptibility to severe COVID-19. Last evaluated: 2024-07-22. Review status: criteria provided, single submitter. Criteria: ACMG Guidelines, 2015. Collection method: research. Allele origin: germline. Affected: yes.
Comment: Novel (unreported in gnomAD or dbSNP until April 2024) variant found in severely infected COVID-19 Bulgarian patients in a research study. Variant is classified as likely pathogenic according to the ACMG criteria: PM2,PVS1.

NM_001378615.1(CC2D2A):c.181del (p.Gln61fs)

Genes: CC2D2A (coiled-coil and C2 domain containing 2A; plus strand), FBXL5 (F-box and leucine rich repeat protein 5; minus strand). Cytogenetic location: 4p15.32.
Variant type: Deletion.
Coding change: c.181del on transcript NM_001378615.1 (MANE Select); coding-DNA position 181, one base deleted (C; older notation c.181delC).
Protein change: p.Gln61fs; shifts the reading frame from glutamine 61.
Molecular consequence: frameshift variant.
Genome position (GRCh38, 1-based): chr4:15,480,761, C deleted; the last of 5 consecutive C bases (chr4:15,480,757-15,480,761); deleting any one gives the same sequence. VCF-style (leftmost placement, unchanged base first): chr4-15480756-AC-A. GRCh37 (hg19) VCF-style: chr4-15482380-AC-A.
Other names: c.181del, p.Gln61fs (NM_001080522.2, NM_001164720.3); c.34del, p.Gln12fs (NM_001378617.1); c.287del, p.Pro96fs (NM_020785.2); c.181delC (NM_001080522.2); short protein forms P96fs, Q12fs, Q61fs.
Identifiers: ClinVar variation 3256946 (VCV003256946.1).
Genomic context (GRCh38, chr4:15,480,756, plus strand): 5'-TCCTCCAGCCACCAACTGCTGTCCCCAAGGAAATGGTGTCCGAAAAATCCCACCTTGGCA[AC>A]CCCCAGGAGCCTGTGCAGGAGGAGCCCAAGACCCGCCTCCTGAGTATGACAGTCCGGAGA-3'